The following is an entry in ClinVar:

ClinVar aggregate classification (germline): Likely pathogenic. Review status: reviewed by expert panel (3 of 4 stars). 8 submissions from 8 submitters: Likely pathogenic (1). 7 of the submissions do not count toward it. Last evaluated 2026-04-29.

Conditions:
Muscular dystrophy, limb-girdle, autosomal dominant 4. Also called: Calpain-3-related limb-girdle muscular dystrophy D4; MUSCULAR DYSTROPHY, LIMB-GIRDLE, TYPE 1I. Identifiers: Orphanet 565909, MedGen C4748295, MONDO:0029133, OMIM 618129.
Autosomal recessive disease. Identifiers: MedGen C0265388, MONDO:0006025.
Autosomal recessive limb-girdle muscular dystrophy. Identifiers: Orphanet 102015, MedGen C2931907, MONDO:0015152.
Autosomal recessive limb-girdle muscular dystrophy type 2A (LGMDR1). Also called: MUSCULAR DYSTROPHY, PELVOFEMORAL; Muscular dystrophy, limb-girdle, type 2A, Amish; LEYDEN-MOEBIUS MUSCULAR DYSTROPHY; Limb-girdle muscular dystrophy, type 2A; Calpainopathy. Identifiers: Orphanet 267, MedGen C1869123, MONDO:0009675, OMIM 253600. Disease mechanism: loss of function.

gnomAD v4.1: 4 of 1,614,126 alleles (0.00025%); highest among the groups gnomAD compares: Non-Finnish European, 0.00034%; no homozygotes.

Submissions (8):

ClinGen Limb Girdle Muscular Dystrophy Variant Curation Expert Panel, ClinGen
Classification: Likely pathogenic for Autosomal recessive limb-girdle muscular dystrophy. Last evaluated: 2026-04-29. Review status: reviewed by expert panel. Criteria: ClinGen LGMD VCEP ACMG Specifications CAPN3 V2.0.0. Collection method: curation. Allele origin: germline. Inheritance: Autosomal recessive inheritance.
Comment: The NM_000070.3: c.2134C>T variant in CAPN3 is a missense variant predicted to cause the substitution of leucine by phenylalanine at amino acid position 712, p.(Leu712Phe). The variant has been detected in at least six patients with LGMD2A (PMID: 17562833, 26886200, 30919934; GRASP-LGMD Consortium internal data communication), including in a homozygous state without consanguinity in 3 unrelated patients (1.0 pt; PMID: 17562833, 26886200, 30919934). In a fourth patient, the variant was confirmed in trans with a pathogenic CAPN3 variant (c.1981del, p.(Ile661Ter), 1.0 pt) (PMID: 17562833, 26886200, 30919934) (PM3_Strong). At least one patient with this variant displayed a progressive limb girdle pattern of muscle weakness (PP4). This variant was also observed to segregate with autosomal recessive LGMD in three affected family members from one family (PMID: 17562833; PP1_Moderate). The upper bound of the 95% confidence interval of the Grpmax variant allele frequency in gnomAD v4.1.0 is 0.000007757 (4/1180004 European (non-Finnish) chromosomes), which is less than the ClinGen LGMD VCEP threshold (≤0.0001) (PM2_Supporting). The computational predictor REVEL gives a score of 0.855, which is above the threshold of 0.70 (PP3). In summary, this variant meets the criteria to be classified as Likely Pathogenic for autosomal recessive limb girdle muscular dystrophy based on the ACMG/AMP criteria applied, as specified by the ClinGen LGMD VCEP (specifications v2.0.0; 04/29/2026): PM3_Strong, PP4, PP1_Moderate, PM2_Supporting, PP3.

Natera, Inc.
Classification: Pathogenic for Limb-girdle muscular dystrophy type 2A. Last evaluated: 2025-09-03. Review status: criteria provided, single submitter. Criteria: Natera Variant Classification Schema (03/2026). Collection method: clinical testing. Allele origin: germline. Not counted in ClinVar's aggregate classification.
Comment: The c.2134C>T variant in CAPN3 is a missense variant predicted to cause substitution of leucine to phenylalanine at amino acid 712. This variant is rare in the general population with a frequency below the threshold expected for the associated phenotype(s). This variant has been observed in one or more individuals affected with the associated recessive disease, as either homozygous or compound heterozygous with a second variant (PMID: 37558402, 26886200, 30919934). Additionally, this variant has been observed to segregate in affected family members (PMID: 17562833). Computational prediction algorithms indicate this variant is likely to affect gene or protein function. Given the available evidence, this variant is classified as Pathogenic.

Revvity Omics, Revvity
Classification: Pathogenic. Last evaluated: 2024-07-03. Review status: criteria provided, single submitter. Criteria: ACMG Guidelines, 2015. Collection method: clinical testing. Allele origin: germline. Not counted in ClinVar's aggregate classification.

Baylor Genetics
Classification: Pathogenic for Muscular dystrophy, limb-girdle, autosomal dominant 4. Last evaluated: 2023-06-15. Review status: criteria provided, single submitter. Criteria: ACMG Guidelines, 2015. Collection method: clinical testing. Allele origin: unknown. Not counted in ClinVar's aggregate classification.

Labcorp Genetics (formerly Invitae), Labcorp
Classification: Pathogenic for Autosomal recessive limb-girdle muscular dystrophy type 2A. Last evaluated: 2022-11-01. Review status: criteria provided, single submitter. Criteria: Invitae Variant Classification Sherloc (09022015). Collection method: clinical testing. Allele origin: germline. Not counted in ClinVar's aggregate classification.
Comment: For these reasons, this variant has been classified as Pathogenic. Advanced modeling of protein sequence and biophysical properties (such as structural, functional, and spatial information, amino acid conservation, physicochemical variation, residue mobility, and thermodynamic stability) performed at Invitae indicates that this missense variant is expected to disrupt CAPN3 protein function. ClinVar contains an entry for this variant (Variation ID: 195450). This missense change has been observed in individual(s) with clinical features of autosomal recessive limb-girdle muscular dystrophy (PMID: 17562833, 30919934). It has also been observed to segregate with disease in related individuals. This variant is not present in population databases (gnomAD no frequency). This sequence change replaces leucine, which is neutral and non-polar, with phenylalanine, which is neutral and non-polar, at codon 712 of the CAPN3 protein (p.Leu712Phe).

Athena Diagnostics
Classification: Likely pathogenic. Last evaluated: 2020-04-15. Review status: criteria provided, single submitter. Criteria: Athena Diagnostics Criteria. Collection method: clinical testing. Allele origin: unknown. Not counted in ClinVar's aggregate classification.
Comment: Not found in the total gnomAD dataset, and the data is high quality. Found in at least one patient with expected phenotype for this gene. Predicted to have a damaging effect on the protein. In multiple individuals, this variant has been seen with a single recessive pathogenic variant in the same gene, suggesting this variant may also be pathogenic.

Cambridge Genomics Laboratory, East Genomic Laboratory Hub, NHS Genomic Medicine Service
Classification: Pathogenic for Autosomal recessive disease. Last evaluated: 2019-09-26. Review status: criteria provided, single submitter. Criteria: ACGS Best Practice Guidelines for Variant Classification in Rare Disease 2020. Collection method: clinical testing. Allele origin: germline. Affected: yes. Observed: 1 variant allele. Not counted in ClinVar's aggregate classification.

Eurofins Ntd Llc (ga)
Classification: Likely pathogenic. Last evaluated: 2016-06-30. Review status: criteria provided, single submitter. Criteria: EGL Classification Definitions. Collection method: clinical testing. Allele origin: germline. Observed: 2 variant alleles, 2 heterozygotes. Not counted in ClinVar's aggregate classification.

Literature cited by the submitters: PubMed 37558402 (cited by Natera, Inc.); PubMed 26886200 (cited by Natera, Inc. and Athena Diagnostics); PubMed 30919934 (cited by Natera, Inc. and Labcorp Genetics (formerly Invitae), Labcorp); PubMed 17562833 (cited by 3 submitters).

NM_000070.3(CAPN3):c.2134C>T (p.Leu712Phe)

Gene: CAPN3 (calpain 3; plus strand). Cytogenetic location: 15q15.1.
Variant type: single nucleotide variant.
Coding change: c.2134C>T on transcript NM_000070.3 (MANE Select); coding-DNA position 2134, C replaced by T.
Protein change: p.Leu712Phe; replaces leucine 712 with phenylalanine.
Molecular consequence: missense variant.
Genome position (GRCh38, 1-based): chr15:42,410,446, C>T. VCF-style: chr15-42410446-C-T. GRCh37 (hg19) VCF-style: chr15-42702644-C-T.
Other names: NM_000070.3(CAPN3):c.2134C>T; p.Leu712Phe; c.2116C>T, p.Leu706Phe (NM_024344.2); c.1858C>T, p.Leu620Phe (NM_173087.2); c.598C>T, p.Leu200Phe (NM_173088.2); c.139C>T, p.Leu47Phe (NM_173089.2, NM_173090.2); short protein forms L712F, L200F, L706F, L47F, L620F.
Identifiers: ClinVar variation 195450 (VCV000195450.18), dbSNP rs794727318, ClinGen allele CA241878.
Genomic context (GRCh38, chr15:42,410,446, plus strand): 5'-GATTTTGCTGTGTGCTGTGTAGCCCTGACCTCCCTCCTCCAGACAGATGGCTCTGGAAAG[C>T]TCAACCTGCAGGAGTTCCACCACCTCTGGAACAAGATTAAGGCCTGGCAGGTGGGAAGAG-3'
Protein context (NP_000061.1, residues 702-722): ALMDTDGSGK[Leu712Phe]NLQEFHHLWN